The following is an entry in ClinVar:

ClinVar aggregate classification (germline): Likely benign (1 of 4 stars; one submission).

Conditions:
Developmental and epileptic encephalopathy, 12 (DEE12). Identifiers: MedGen C3150988, MONDO:0013389, OMIM 613722.

Allele frequency attached by ClinVar (database versions not stated): gnomAD 0.00683 and 0.00719; TOPMed 0.00702; 1000 Genomes Project 0.00719; 1000 Genomes Project 30x 0.00812.

Submission:

Illumina Laboratory Services, Illumina
Classification: Likely benign for Developmental and epileptic encephalopathy, 12. Last evaluated: 2018-01-12. Review status: criteria provided, single submitter. Criteria: ICSL Variant Classification Criteria 13 December 2019. Collection method: clinical testing. Allele origin: germline.
Comment: This variant was observed in the ICSL laboratory as part of a predisposition screen in an ostensibly healthy population. It had not been previously curated by ICSL or reported in the Human Gene Mutation Database (HGMD: prior to June 1st, 2018), and was therefore a candidate for classification through an automated scoring system. Utilizing variant allele frequency, disease prevalence and penetrance estimates, and inheritance mode, an automated score was calculated to assess if this variant is too frequent to cause the disease. Based on the score and internal cut-off values, a variant classified as likely benign is not then subjected to further curation. The score for this variant resulted in a classification of likely benign for this disease.

NM_015192.4(PLCB1):c.*1538G>T

Gene: PLCB1 (phospholipase C beta 1; plus strand). Cytogenetic location: 20p12.3.
Variant type: single nucleotide variant.
Coding change: c.*1538G>T on transcript NM_015192.4 (MANE Select); 1538 bases downstream of the stop codon, G replaced by T.
Molecular consequence: 3 prime UTR variant.
Genome position (GRCh38, 1-based): chr20:8,883,387, G>T. VCF-style: chr20-8883387-G-T. GRCh37 (hg19) VCF-style: chr20-8864034-G-T.
Other names: c.*1785G>T (NM_182734.3).
Identifiers: ClinVar variation 897569 (VCV000897569.4), dbSNP rs116163517, ClinGen allele CA311686236.